The following is an entry in ClinVar:

ClinVar aggregate classification (germline): Uncertain significance (1 of 4 stars; one submission).

Submission:

Ambry Genetics
Classification: Uncertain significance. Last evaluated: 2025-10-27. Review status: criteria provided, single submitter. Criteria: Ambry Variant Classification Scheme 2023. Collection method: clinical testing. Allele origin: germline.
Comment: The p.A26S variant (also known as c.76G>T), located in coding exon 1 of the GALNT12 gene, results from a G to T substitution at nucleotide position 76. The alanine at codon 26 is replaced by serine, an amino acid with similar properties. This amino acid position is conserved. In addition, this alteration is predicted to be tolerated by in silico analysis. Since supporting evidence is limited at this time, the clinical significance of this alteration remains unclear.

NM_024642.5(GALNT12):c.76G>T (p.Ala26Ser)

Genes: GALNT12 (polypeptide N-acetylgalactosaminyltransferase 12; plus strand), LOC130002222 (ATAC-STARR-seq lymphoblastoid silent region 20123; plus strand). Cytogenetic location: 9q22.33.
Variant type: single nucleotide variant.
Coding change: c.76G>T on transcript NM_024642.5 (MANE Select); coding-DNA position 76, G replaced by T.
Protein change: p.Ala26Ser; replaces alanine 26 with serine.
Molecular consequence: missense variant.
Genome position (GRCh38, 1-based): chr9:98,807,774, G>T. VCF-style: chr9-98807774-G-T. GRCh37 (hg19) VCF-style: chr9-101570056-G-T.
Other names: short protein forms A26S.
Identifiers: ClinVar variation 2586465 (VCV002586465.3), dbSNP rs2490454921, ClinGen allele CA374222194.